The following is an entry in ClinVar:

NM_144997.7(FLCN):c.659A>T (p.Gln220Leu)

Gene: FLCN (folliculin; minus strand). Cytogenetic location: 17p11.2.
Variant type: single nucleotide variant.
Coding change: c.659A>T on transcript NM_144997.7 (MANE Select); coding-DNA position 659, A replaced by T.
Protein change: p.Gln220Leu; replaces glutamine 220 with leucine.
Molecular consequence: missense variant.
Genome position (GRCh38, 1-based): chr17:17,222,621, T>A on the plus strand (A>T on the coding strand, the complement: FLCN is on the minus strand). VCF-style: chr17-17222621-T-A. GRCh37 (hg19) VCF-style: chr17-17125935-T-A.
Other names: c.713A>T, p.Gln238Leu (NM_001353229.2); c.659A>T, p.Gln220Leu (NM_001353230.2, NM_001353231.2, NM_144606.7); c.659A>T (NM_144997.5); short protein forms Q238L, Q220L.
Identifiers: ClinVar variation 1346445 (VCV001346445.20), dbSNP rs2047129363, ClinGen allele CA398534066.

ClinVar aggregate classification (germline): Uncertain significance. Review status: criteria provided, multiple submitters, no conflicts (2 of 4 stars). 4 submissions from 4 submitters: Uncertain significance (4). Last evaluated 2025-12-29.

Conditions:
Birt-Hogg-Dube syndrome. Also called: Birt Hogg Dubé syndrome. Identifiers: Orphanet 122, MedGen C0346010, MONDO:0800444.
Hereditary cancer-predisposing syndrome. Also called: Hereditary Cancer Syndrome; Neoplastic Syndromes, Hereditary; Tumor predisposition; Hereditary neoplastic syndrome. Identifiers: Orphanet 140162, MedGen C0027672, MeSH D009386, MONDO:0015356.
Birt-Hogg-Dube syndrome 1 (BHD1). Also called: FIBROFOLLICULOMAS WITH TRICHODISCOMAS AND ACROCHORDONS. Identifiers: Orphanet 122, MedGen CN375946, MONDO:0800445, OMIM 135150.

Allele frequency attached by ClinVar (database versions not stated): gnomAD exomes below 0.00001.

Submissions (4):

Center for Genomic Medicine, Rigshospitalet, Copenhagen University Hospital
Classification: Uncertain significance. Last evaluated: 2025-12-29. Review status: criteria provided, single submitter. Criteria: ACMG Guidelines, 2015. Collection method: clinical testing. Allele origin: germline.

Ambry Genetics
Classification: Uncertain significance for Hereditary cancer-predisposing syndrome. Last evaluated: 2024-08-12. Review status: criteria provided, single submitter. Criteria: Ambry Variant Classification Scheme 2023. Collection method: clinical testing. Allele origin: germline.
Comment: The p.Q220L variant (also known as c.659A>T), located in coding exon 4 of the FLCN gene, results from an A to T substitution at nucleotide position 659. The glutamine at codon 220 is replaced by leucine, an amino acid with dissimilar properties. This amino acid position is not well conserved in available vertebrate species. In addition, the in silico prediction for this alteration is inconclusive. Based on the available evidence, the clinical significance of this variant remains unclear.

Baylor Genetics
Classification: Uncertain significance for Birt-Hogg-Dube syndrome 1. Last evaluated: 2024-03-29. Review status: criteria provided, single submitter. Criteria: ACMG Guidelines, 2015. Collection method: clinical testing. Allele origin: unknown.

Labcorp Genetics (formerly Invitae), Labcorp
Classification: Uncertain significance for Birt-Hogg-Dube syndrome. Last evaluated: 2024-01-11. Review status: criteria provided, single submitter. Criteria: Invitae Variant Classification Sherloc (09022015). Collection method: clinical testing. Allele origin: germline.
Comment: This sequence change replaces glutamine, which is neutral and polar, with leucine, which is neutral and non-polar, at codon 220 of the FLCN protein (p.Gln220Leu). This variant is not present in population databases (gnomAD no frequency). This variant has not been reported in the literature in individuals affected with FLCN-related conditions. ClinVar contains an entry for this variant (Variation ID: 1346445). Advanced modeling of protein sequence and biophysical properties (such as structural, functional, and spatial information, amino acid conservation, physicochemical variation, residue mobility, and thermodynamic stability) performed at Invitae indicates that this missense variant is not expected to disrupt FLCN protein function with a negative predictive value of 80%. In summary, the available evidence is currently insufficient to determine the role of this variant in disease. Therefore, it has been classified as a Variant of Uncertain Significance.